The following is an entry in ClinVar:

NM_005422.4(TECTA):c.1204-10T>A

Genes: TBCEL-TECTA (TBCEL-TECTA readthrough; plus strand), TECTA (tectorin alpha; plus strand). Cytogenetic location: 11q23.3.
Variant type: single nucleotide variant.
Coding change: c.1204-10T>A on transcript NM_005422.4 (MANE Select); 10 bases into the intron before coding-DNA position 1204, T replaced by A.
Molecular consequence: intron variant.
Genome position (GRCh38, 1-based): chr11:121,125,292, T>A. VCF-style: chr11-121125292-T-A. GRCh37 (hg19) VCF-style: chr11-120996001-T-A.
Other names: c.2161-10T>A (NM_001378761.1).
Identifiers: ClinVar variation 3044922 (VCV003044922.2), dbSNP rs960603615, ClinGen allele CA229811339.

ClinVar aggregate classification (germline): Likely benign (0 of 4 stars; one submission).

Conditions:
TECTA-related disorder. Also called: TECTA-related condition.

Allele frequency attached by ClinVar (database versions not stated): TOPMed 0.00002; gnomAD 0.00004.
gnomAD v4.1: 6 of 1,611,404 alleles (0.00037%); highest among the groups gnomAD compares: African/African-American, 0.008%; no homozygotes.

Submission:

PreventionGenetics, part of Exact Sciences
Classification: Likely benign for TECTA-related condition. Last evaluated: 2023-05-08. Review status: no assertion criteria provided. Collection method: clinical testing. Allele origin: germline.
Comment: This variant is classified as likely benign based on ACMG/AMP sequence variant interpretation guidelines (Richards et al. 2015 PMID: 25741868, with internal and published modifications).